The following is an entry in ClinVar:

NM_021020.5(LZTS1):c.1099G>A (p.Glu367Lys)

Gene: LZTS1 (leucine zipper tumor suppressor 1; minus strand). Cytogenetic location: 8p21.3.
Variant type: single nucleotide variant.
Coding change: c.1099G>A on transcript NM_021020.5 (MANE Select); coding-DNA position 1099, G replaced by A.
Protein change: p.Glu367Lys; replaces glutamic acid 367 with lysine.
Molecular consequence: missense variant.
Genome position (GRCh38, 1-based): chr8:20,252,832, C>T on the plus strand (G>A on the coding strand, the complement: LZTS1 is on the minus strand). VCF-style: chr8-20252832-C-T. GRCh37 (hg19) VCF-style: chr8-20110343-C-T.
Other names: c.1099G>A, p.Glu367Lys (NM_001362884.2); c.1099G>A (NM_021020.2); short protein forms E367K.
Identifiers: ClinVar variation 2054613 (VCV002054613.7), dbSNP rs756199119, ClinGen allele CA4657364.

ClinVar aggregate classification (germline): Uncertain significance. Review status: criteria provided, multiple submitters, no conflicts (2 of 4 stars). 2 submissions from 2 submitters: Uncertain significance (2). Last evaluated 2025-05-07.

Allele frequency attached by ClinVar (database versions not stated): gnomAD 0.00003; ExAC 0.00002; TOPMed 0.00003.
gnomAD v4.1: 48 of 1,563,872 alleles (0.0031%); highest among the groups gnomAD compares: Middle Eastern, 0.053%; no homozygotes.

Submissions (2):

Ambry Genetics
Classification: Uncertain significance. Last evaluated: 2025-05-07. Review status: criteria provided, single submitter. Criteria: Ambry Variant Classification Scheme 2023. Collection method: clinical testing. Allele origin: germline.

Labcorp Genetics (formerly Invitae), Labcorp
Classification: Uncertain significance. Last evaluated: 2023-12-27. Review status: criteria provided, single submitter. Criteria: Invitae Variant Classification Sherloc (09022015). Collection method: clinical testing. Allele origin: germline.
Comment: This sequence change replaces glutamic acid, which is acidic and polar, with lysine, which is basic and polar, at codon 367 of the LZTS1 protein (p.Glu367Lys). This variant is present in population databases (rs756199119, gnomAD 0.008%). This variant has not been reported in the literature in individuals affected with LZTS1-related conditions. ClinVar contains an entry for this variant (Variation ID: 2054613). Advanced modeling of protein sequence and biophysical properties (such as structural, functional, and spatial information, amino acid conservation, physicochemical variation, residue mobility, and thermodynamic stability) performed at Invitae indicates that this missense variant is not expected to disrupt LZTS1 protein function with a negative predictive value of 80%. In summary, the available evidence is currently insufficient to determine the role of this variant in disease. Therefore, it has been classified as a Variant of Uncertain Significance.